The following is an entry in ClinVar:

ClinVar aggregate classification (germline): Uncertain significance (1 of 4 stars; one submission).

Conditions:
Ataxia-telangiectasia syndrome (AT). Also called: Cerebello-oculocutaneous telangiectasia; Immunodeficiency with ataxia telangiectasia; Ataxia-telangiectasia, complementation group D; AT, COMPLEMENTATION GROUP C; Ataxia-telangiectasia, complementation group E; LOUIS-BAR SYNDROME. Identifiers: Orphanet 100, MedGen C0004135, MONDO:0008840, OMIM 208900.

Submission:

Labcorp Genetics (formerly Invitae), Labcorp
Classification: Uncertain significance for Ataxia-telangiectasia syndrome. Last evaluated: 2019-10-19. Review status: criteria provided, single submitter. Criteria: Invitae Variant Classification Sherloc (09022015). Collection method: clinical testing. Allele origin: germline.
Comment: This sequence change falls in intron 17 of the ATM gene. It does not directly change the encoded amino acid sequence of the ATM protein. In summary, this variant has uncertain impact on ATM function. The available evidence is currently insufficient to determine its role in disease. Therefore, it has been classified as a Variant of Uncertain Significance. Algorithms developed to predict the effect of sequence changes on RNA splicing suggest that this variant may disrupt the consensus splice site, but this prediction has not been confirmed by published transcriptional studies. This variant has not been reported in the literature in individuals with a ATM-related disease. This variant is not present in population databases (ExAC no frequency).

NM_000051.4(ATM):c.2639-4_2639-3del

Gene: ATM (ATM serine/threonine kinase; plus strand). Cytogenetic location: 11q22.3.
Variant type: Deletion.
Coding change: c.2639-4_2639-3del on transcript NM_000051.4 (MANE Select); 4 bases into the intron before coding-DNA position 2639 through 3 bases into the intron before coding-DNA position 2639, 2 bases deleted (TT; older notation c.2639-4_2639-3delTT).
Molecular consequence: intron variant.
Genome position (GRCh38, 1-based): chr11:108,268,406-108,268,407, TT deleted; deleting any 2 consecutive bases within chr11:108,268,403-108,268,407 gives the same sequence; the c. name uses the placement nearest the transcript's 3' end. VCF-style (leftmost placement, unchanged base first): chr11-108268402-ATT-A. GRCh37 (hg19) VCF-style: chr11-108139129-ATT-A.
Other names: c.2639-4_2639-3del (NM_001351834.2); c.2639-4_2639-3delTT (NM_000051.3).
Identifiers: ClinVar variation 453424 (VCV000453424.9), dbSNP rs1555083075, ClinGen allele CA658656247.